The following is an entry in ClinVar:

ClinVar aggregate classification (germline): Uncertain significance (1 of 4 stars; one submission).

Conditions:
Neurodevelopmental disorder with cerebellar atrophy and motor dysfunction. Identifiers: MedGen C5543427, MONDO:0859152, OMIM 619333.

Submission:

Juno Genomics, Hangzhou Juno Genomics, Inc
Classification: Uncertain significance for Neurodevelopmental disorder with cerebellar atrophy and motor dysfunction. Review status: criteria provided, single submitter. Criteria: ACMG Guidelines, 2015. Collection method: clinical testing. Allele origin: germline.
Comment: Absent from controls (or at extremely low frequency if recessive) in Genome Aggregation Database.;For recessive disorders, detected in trans with a pathogenic variant.;Patient's phenotype or family history is highly specific for a disease with a single genetic etiology.

NM_015465.5(GEMIN5):c.2705T>A (p.Leu902Gln)

Gene: GEMIN5 (gem nuclear organelle associated protein 5; minus strand). Cytogenetic location: 5q33.2.
Variant type: single nucleotide variant.
Coding change: c.2705T>A on transcript NM_015465.5 (MANE Select); coding-DNA position 2705, T replaced by A.
Protein change: p.Leu902Gln; replaces leucine 902 with glutamine.
Molecular consequence: missense variant.
Genome position (GRCh38, 1-based): chr5:154,903,103, A>T on the plus strand (T>A on the coding strand, the complement: GEMIN5 is on the minus strand). VCF-style: chr5-154903103-A-T. GRCh37 (hg19) VCF-style: chr5-154282663-A-T.
Other names: c.2702T>A, p.Leu901Gln (NM_001252156.2); short protein forms L901Q, L902Q.
Identifiers: ClinVar variation 3382816 (VCV003382816.4).